The following is an entry in ClinVar:

NM_001283009.2(RTEL1):c.3001G>A (p.Ala1001Thr)

Genes: RTEL1 (regulator of telomere elongation helicase 1; plus strand), RTEL1-TNFRSF6B (RTEL1-TNFRSF6B readthrough (NMD candidate); plus strand). Cytogenetic location: 20q13.33.
Variant type: single nucleotide variant.
Coding change: c.3001G>A on transcript NM_001283009.2 (MANE Select); coding-DNA position 3001, G replaced by A.
Protein change: p.Ala1001Thr; replaces alanine 1001 with threonine.
Molecular consequence: missense variant. On other transcripts: non-coding transcript variant (1).
Genome position (GRCh38, 1-based): chr20:63,694,380, G>A. VCF-style: chr20-63694380-G-A. GRCh37 (hg19) VCF-style: chr20-62325733-G-A.
Other names: c.2332G>A, p.Ala778Thr (NM_001283010.1); c.3001G>A, p.Ala1001Thr (NM_016434.4); c.3073G>A, p.Ala1025Thr (NM_032957.5); short protein forms A1001T, A1025T, A778T.
Identifiers: ClinVar variation 3762606 (VCV003762606.2).

ClinVar aggregate classification (germline): Uncertain significance (1 of 4 stars; one submission).

Conditions:
Pulmonary fibrosis and/or bone marrow failure, Telomere-related, 3. Also called: PULMONARY FIBROSIS AND/OR BONE MARROW FAILURE SYNDROME, TELOMERE-RELATED, 3. Identifiers: Orphanet 2032, MedGen C4225346, MONDO:0014613, OMIM 616373.
Dyskeratosis congenita, autosomal recessive 5 (DKCB5). Identifiers: MedGen C3554656, MONDO:0014076, OMIM 615190.

gnomAD v4.1: 2 of 1,612,172 alleles (0.00012%); highest among the groups gnomAD compares: Non-Finnish European, 0.00017%; no homozygotes.

Submission:

Labcorp Genetics (formerly Invitae), Labcorp
Classification: Uncertain significance for Dyskeratosis congenita, autosomal recessive 5; Pulmonary fibrosis and/or bone marrow failure, Telomere-related, 3. Last evaluated: 2025-04-11. Review status: criteria provided, single submitter. Criteria: Invitae Variant Classification Sherloc (09022015). Collection method: clinical testing. Allele origin: germline.
Comment: This sequence change replaces alanine, which is neutral and non-polar, with threonine, which is neutral and polar, at codon 1001 of the RTEL1 protein (p.Ala1001Thr). This variant is not present in population databases (gnomAD no frequency). This variant has not been reported in the literature in individuals affected with RTEL1-related conditions. ClinVar contains an entry for this variant (Variation ID: 3762606). An algorithm developed to predict the effect of missense changes on protein structure and function (PolyPhen-2) suggests that this variant is likely to be tolerated. In summary, the available evidence is currently insufficient to determine the role of this variant in disease. Therefore, it has been classified as a Variant of Uncertain Significance.